The following is an entry in ClinVar:

NM_001366385.1(CARD14):c.1673G>A (p.Arg558Gln)

Gene: CARD14 (caspase recruitment domain family member 14; plus strand). Cytogenetic location: 17q25.3.
Variant type: single nucleotide variant.
Coding change: c.1673G>A on transcript NM_001366385.1 (MANE Select); coding-DNA position 1673, G replaced by A.
Protein change: p.Arg558Gln; replaces arginine 558 with glutamine.
Molecular consequence: missense variant. On other transcripts: non-coding transcript variant (1).
Genome position (GRCh38, 1-based): chr17:80,198,413, G>A. VCF-style: chr17-80198413-G-A. GRCh37 (hg19) VCF-style: chr17-78172212-G-A.
Other names: c.1673G>A (NM_024110.3); c.1673G>A, p.Arg558Gln (NM_001257970.1, NM_024110.4); c.962G>A, p.Arg321Gln (NM_052819.3); short protein forms R321Q, R558Q.
Identifiers: ClinVar variation 1038335 (VCV001038335.11), dbSNP rs745339472, ClinGen allele CA8816948.

ClinVar aggregate classification (germline): Uncertain significance. Review status: criteria provided, multiple submitters, no conflicts (2 of 4 stars). 2 submissions from 2 submitters: Uncertain significance (2). Last evaluated 2025-08-13.

Conditions:
Pityriasis rubra pilaris (PRP). Also called: Pityriasis rubra pilaris--familial type. Identifiers: Orphanet 2897, MedGen C0032027, MONDO:0100017, OMIM 173200, MONDO:0008251.
Psoriasis 2. Identifiers: MedGen C1864497, MONDO:0011269, OMIM 602723.
Inborn genetic diseases. Identifiers: MedGen C0950123, MeSH D030342.

Allele frequency attached by ClinVar (database versions not stated): gnomAD exomes 0.00001 and 0.00005; gnomAD 0.00002; ExAC 0.00004; TOPMed 0.00004.
gnomAD v4.1: 20 of 1,603,026 alleles (0.0012%); highest among the groups gnomAD compares: East Asian, 0.018%; no homozygotes.

Submissions (2):

Labcorp Genetics (formerly Invitae), Labcorp
Classification: Uncertain significance for Pityriasis rubra pilaris; Psoriasis 2. Last evaluated: 2025-08-13. Review status: criteria provided, single submitter. Criteria: Invitae Variant Classification Sherloc (09022015). Collection method: clinical testing. Allele origin: germline.
Comment: This sequence change replaces arginine, which is basic and polar, with glutamine, which is neutral and polar, at codon 558 of the CARD14 protein (p.Arg558Gln). This variant is present in population databases (rs745339472, gnomAD 0.06%). This variant has not been reported in the literature in individuals affected with CARD14-related conditions. ClinVar contains an entry for this variant (Variation ID: 1038335). Invitae Evidence Modeling of protein sequence and biophysical properties (such as structural, functional, and spatial information, amino acid conservation, physicochemical variation, residue mobility, and thermodynamic stability) has been performed for this missense variant. However, the output from this modeling did not meet the statistical confidence thresholds required to predict the impact of this variant on CARD14 protein function. In summary, the available evidence is currently insufficient to determine the role of this variant in disease. Therefore, it has been classified as a Variant of Uncertain Significance.

Ambry Genetics
Classification: Uncertain significance for Inborn genetic diseases. Last evaluated: 2023-06-29. Review status: criteria provided, single submitter. Criteria: Ambry Variant Classification Scheme 2023. Collection method: clinical testing. Allele origin: germline.